The following is an entry in ClinVar:

ClinVar aggregate classification (germline): Conflicting classifications of pathogenicity. Review status: criteria provided, conflicting classifications (1 of 4 stars). 3 submissions from 3 submitters: Uncertain significance (1); Likely benign (2). Last evaluated 2025-10-02.

Conditions:
Inborn genetic diseases. Identifiers: MedGen C0950123, MeSH D030342.
Pyridoxal phosphate-responsive seizures (PNPOD). Also called: Pyridoxal 5'-Phosphate (PLP)-Dependent Epilepsy; Pyridoxamine 5-Prime-Phosphate Oxidase Deficiency; Pyridoxine-5'-phosphate oxidase deficiency; SEIZURES, PYRIDOXINE-RESISTANT, PLP-SENSITIVE; EPILEPTIC ENCEPHALOPATHY, NEONATAL, PNPO-RELATED. Identifiers: Orphanet 79096, MedGen C1864723, MONDO:0012407, OMIM 610090. Disease mechanism: loss of function.

Allele frequency attached by ClinVar (database versions not stated): TOPMed below 0.00001; gnomAD 0.00002; gnomAD exomes 0.00002 and 0.00003; ExAC 0.00003.
gnomAD v4.1: 52 of 1,611,696 alleles (0.0032%); highest among the groups gnomAD compares: Non-Finnish European, 0.0042%; no homozygotes.

Submissions (3):

Labcorp Genetics (formerly Invitae), Labcorp
Classification: Likely benign for Pyridoxal phosphate-responsive seizures. Last evaluated: 2025-10-02. Review status: criteria provided, single submitter. Criteria: Invitae Variant Classification Sherloc (09022015). Collection method: clinical testing. Allele origin: germline.

Ambry Genetics
Classification: Uncertain significance for Inborn genetic diseases. Last evaluated: 2016-06-30. Review status: criteria provided, single submitter. Criteria: Ambry Variant Classification Scheme 2023. Collection method: clinical testing. Allele origin: germline.
Comment: The c.139-4C>G intronic variant results from a C to G substitution 4 nucleotides upstream from coding exon 2 in the PNPO gene. This variant was not reported in population based cohorts in the following databases: Database of Single Nucleotide Polymorphisms (dbSNP), NHLBI Exome Sequencing Project (ESP), and 1000 Genomes Project. In the ESP, this variant was not observed in 6503 samples (13006 alleles) with coverage at this position. This nucleotide position is well conserved in available vertebrate species. Using the BDGP and ESEfinder splice site prediction tools, this alteration is not predicted to have any significant effect on this splice acceptor site; however, direct evidence is unavailable. Since supporting evidence is limited at this time, the clinical significance of this alteration remains unclear.

PreventionGenetics, part of Exact Sciences
Classification: Likely benign. Review status: criteria provided, single submitter. Criteria: ACMG Guidelines, 2015. Collection method: clinical testing. Allele origin: germline.

NM_018129.4(PNPO):c.139-4C>G

Gene: PNPO (pyridoxamine 5'-phosphate oxidase; plus strand). Cytogenetic location: 17q21.32.
Variant type: single nucleotide variant.
Coding change: c.139-4C>G on transcript NM_018129.4 (MANE Select); 4 bases into the intron before coding-DNA position 139, C replaced by G.
Molecular consequence: intron variant.
Genome position (GRCh38, 1-based): chr17:47,943,302, C>G. VCF-style: chr17-47943302-C-G. GRCh37 (hg19) VCF-style: chr17-46020668-C-G.
Identifiers: ClinVar variation 261005 (VCV000261005.15), dbSNP rs766668907, ClinGen allele CA8629115.